The following is an entry in ClinVar:

ClinVar aggregate classification (germline): Uncertain significance (1 of 4 stars; one submission).

Conditions:
Inborn genetic diseases. Identifiers: MedGen C0950123, MeSH D030342.

gnomAD v4.1: 1 of 1,211,509 alleles (0.000083%); no homozygotes.

Submission:

Ambry Genetics
Classification: Uncertain significance for Inborn genetic diseases. Last evaluated: 2025-05-13. Review status: criteria provided, single submitter. Criteria: Ambry Variant Classification Scheme 2023. Collection method: clinical testing. Allele origin: germline.
Comment: The c.1184T>C (p.V395A) alteration is located in exon 9 (coding exon 9) of the ABCB7 gene. This alteration results from a T to C substitution at nucleotide position 1184, causing the valine (V) at amino acid position 395 to be replaced by an alanine (A). Based on data from gnomAD, the C allele has an overall frequency of 0.0005% (1/183038) total alleles studied, with 1 hemizygote observed. The highest observed frequency was 0.006% (1/16004) of European (Finnish) alleles. This amino acid position is highly conserved in available vertebrate species. The in silico prediction for this alteration is inconclusive. Based on insufficient or conflicting evidence, the clinical significance of this alteration remains unclear.

NM_001271696.3(ABCB7):c.1181T>C (p.Val394Ala)

Gene: ABCB7 (ATP binding cassette subfamily B member 7; minus strand). Cytogenetic location: Xq13.3.
Variant type: single nucleotide variant.
Coding change: c.1181T>C on transcript NM_001271696.3 (MANE Select); coding-DNA position 1181, T replaced by C.
Protein change: p.Val394Ala; replaces valine 394 with alanine.
Molecular consequence: missense variant.
Genome position (GRCh38, 1-based): chrX:75,071,535, A>G on the plus strand (T>C on the coding strand, the complement: ABCB7 is on the minus strand). VCF-style: chrX-75071535-A-G. GRCh37 (hg19) VCF-style: chrX-74291370-A-G.
Other names: c.1061T>C, p.Val354Ala (NM_001271697.3); c.1103T>C, p.Val368Ala (NM_001271698.3); c.1064T>C, p.Val355Ala (NM_001271699.3); c.1184T>C, p.Val395Ala (NM_004299.6); short protein forms V354A, V355A, V368A, V394A, V395A.
Identifiers: ClinVar variation 3977077 (VCV003977077.1).